The following is an entry in ClinVar:

NM_024592.5(SRD5A3):c.*70C>T

Genes: SRD5A3-AS1 (SRD5A3 antisense RNA 1; minus strand), SRD5A3 (steroid 5 alpha-reductase 3; plus strand). Cytogenetic location: 4q12.
Variant type: single nucleotide variant.
Coding change: c.*70C>T on transcript NM_024592.5 (MANE Select); 70 bases downstream of the stop codon, C replaced by T.
Molecular consequence: 3 prime UTR variant.
Genome position (GRCh38, 1-based): chr4:55,370,161, C>T. VCF-style: chr4-55370161-C-T. GRCh37 (hg19) VCF-style: chr4-56236328-C-T.
Identifiers: ClinVar variation 349009 (VCV000349009.8), dbSNP rs2538, ClinGen allele CA10617886.

ClinVar aggregate classification (germline): Benign. Review status: criteria provided, multiple submitters, no conflicts (2 of 4 stars). 3 submissions from 3 submitters: Benign (3). Last evaluated 2018-06-16.

Conditions:
SRD5A3-congenital disorder of glycosylation. Also called: CDG Iq; COLOBOMA, OCULAR, WITH ICHTHYOSIS, BRAIN MALFORMATIONS, AND ENDOCRINE ABNORMALITIES; Ocular colobomas, ichthyosis, brain malformations and endocrine abnormalities; Congenital disorder of glycosylation type 1Q; SRD5A3-CDG. Identifiers: Orphanet 324737, MedGen C4317224, MONDO:0012885, OMIM 612379.

Allele frequency attached by ClinVar (database versions not stated): TOPMed 0.26100; 1000 Genomes Project 0.26757; 1000 Genomes Project 30x 0.26983; gnomAD 0.27858 and 0.28088.
gnomAD v4.1: 459,419 of 1,590,128 alleles (29%); highest among the groups gnomAD compares: South Asian, 39%; 68,209 homozygotes.

Submissions (3):

GeneDx
Classification: Benign. Last evaluated: 2018-06-16. Review status: criteria provided, single submitter. Criteria: GeneDx Variant Classification Process June 2021. Collection method: clinical testing. Allele origin: germline. Affected: yes.

Illumina Laboratory Services, Illumina
Classification: Benign for SRD5A3-congenital disorder of glycosylation. Last evaluated: 2018-01-13. Review status: criteria provided, single submitter. Criteria: ICSL Variant Classification Criteria 13 December 2019. Collection method: clinical testing. Allele origin: germline.
Comment: This variant was observed in the ICSL laboratory as part of a predisposition screen in an ostensibly healthy population. It had not been previously curated by ICSL or reported in the Human Gene Mutation Database (HGMD: prior to June 1st, 2018), and was therefore a candidate for classification through an automated scoring system. Utilizing variant allele frequency, disease prevalence and penetrance estimates, and inheritance mode, an automated score was calculated to assess if this variant is too frequent to cause the disease. Based on the score and internal cut-off values, a variant classified as benign is not then subjected to further curation. The score for this variant resulted in a classification of benign for this disease.

Breakthrough Genomics
Classification: Benign. Review status: criteria provided, single submitter. Criteria: ACMG Guidelines, 2015. Collection method: not provided. Allele origin: germline. Inheritance: Autosomal recessive inheritance. Affected: yes.